The following is an entry in ClinVar:

ClinVar aggregate classification (germline): Uncertain significance (1 of 4 stars; one submission).

Allele frequency attached by ClinVar (database versions not stated): ExAC 0.00001; gnomAD 0.00001; TOPMed 0.00001; ESP Exome Variant Server 0.00008.
gnomAD v4.1: 7 of 1,614,114 alleles (0.00043%); highest among the groups gnomAD compares: Non-Finnish European, 0.00059%; no homozygotes.

Submission:

Labcorp Genetics (formerly Invitae), Labcorp
Classification: Uncertain significance. Last evaluated: 2022-06-14. Review status: criteria provided, single submitter. Criteria: Invitae Variant Classification Sherloc (09022015). Collection method: clinical testing. Allele origin: germline.
Comment: This sequence change replaces leucine, which is neutral and non-polar, with phenylalanine, which is neutral and non-polar, at codon 5019 of the USH2A protein (p.Leu5019Phe). This variant is present in population databases (rs144781528, gnomAD 0.0009%). This variant has not been reported in the literature in individuals affected with USH2A-related conditions. Algorithms developed to predict the effect of missense changes on protein structure and function are either unavailable or do not agree on the potential impact of this missense change (SIFT: "Deleterious"; PolyPhen-2: "Benign"; Align-GVGD: "Class C0"). In summary, the available evidence is currently insufficient to determine the role of this variant in disease. Therefore, it has been classified as a Variant of Uncertain Significance.

NM_206933.4(USH2A):c.15057G>C (p.Leu5019Phe)

Gene: USH2A (usherin; minus strand). Cytogenetic location: 1q41.
Variant type: single nucleotide variant.
Coding change: c.15057G>C on transcript NM_206933.4 (MANE Select); coding-DNA position 15057, G replaced by C.
Protein change: p.Leu5019Phe; replaces leucine 5019 with phenylalanine.
Molecular consequence: missense variant.
Genome position (GRCh38, 1-based): chr1:215,634,699, C>G on the plus strand (G>C on the coding strand, the complement: USH2A is on the minus strand). VCF-style: chr1-215634699-C-G. GRCh37 (hg19) VCF-style: chr1-215808041-C-G.
Other names: short protein forms L5019F.
Identifiers: ClinVar variation 2162305 (VCV002162305.3), dbSNP rs144781528, ClinGen allele CA1392801.
Genomic context (GRCh38, chr1:215,634,699, plus strand): 5'-GCTGTAGAACTCTGTGCTTTTGCTCCGCGATCCCTTCTTTTTCCCAGGAGTTGTTAGGAC[C>G]AAGCCTGCAAAACCCAGAGAAAGAAAGGGGAAATGTTATTTCAGAAAGCATTTTTGTCAT-3'
Protein context (NP_996816.3, residues 5009-5029): IQYDTSTGLG[Leu5019Phe]VLTTPGKKKG